The following is an entry in ClinVar:

ClinVar aggregate classification (germline): Likely benign (1 of 4 stars; one submission).

Conditions:
BAP1-related tumor predisposition syndrome (TPDS1). Also called: Tumor susceptibility linked to germline BAP1 mutations; COMMON Syndrome; TUMOR PREDISPOSITION SYNDROME 1; BAP1 tumor predisposition syndrome. Identifiers: Orphanet 289539, MedGen C3280492, MONDO:0013692, OMIM 614327.

Allele frequency attached by ClinVar (database versions not stated): gnomAD exomes 0.00025; 1000 Genomes Project 30x 0.00062; 1000 Genomes Project 0.00080; gnomAD 0.00158 and 0.00166; TOPMed 0.00192.
gnomAD v4.1: 279 of 292,926 alleles (0.095%); highest among the groups gnomAD compares: African/African-American, 0.54%; 1 homozygote.

Submission:

Illumina Laboratory Services, Illumina
Classification: Likely benign for BAP1-related tumor predisposition syndrome. Last evaluated: 2018-01-12. Review status: criteria provided, single submitter. Criteria: ICSL Variant Classification Criteria 13 December 2019. Collection method: clinical testing. Allele origin: germline.
Comment: This variant was observed in the ICSL laboratory as part of a predisposition screen in an ostensibly healthy population. It had not been previously curated by ICSL or reported in the Human Gene Mutation Database (HGMD: prior to June 1st, 2018), and was therefore a candidate for classification through an automated scoring system. Utilizing variant allele frequency, disease prevalence and penetrance estimates, and inheritance mode, an automated score was calculated to assess if this variant is too frequent to cause the disease. Based on the score and internal cut-off values, a variant classified as likely benign is not then subjected to further curation. The score for this variant resulted in a classification of likely benign for this disease.

NM_004656.4(BAP1):c.*441G>T

Gene: BAP1 (BRCA1 associated deubiquitinase 1; minus strand). Cytogenetic location: 3p21.1.
Variant type: single nucleotide variant.
Coding change: c.*441G>T on transcript NM_004656.4 (MANE Select); 441 bases downstream of the stop codon, G replaced by T.
Molecular consequence: 3 prime UTR variant.
Genome position (GRCh38, 1-based): chr3:52,401,847, C>A on the plus strand (G>T on the coding strand, the complement: BAP1 is on the minus strand). VCF-style: chr3-52401847-C-A. GRCh37 (hg19) VCF-style: chr3-52435863-C-A.
Identifiers: ClinVar variation 903575 (VCV000903575.4), dbSNP rs146324979, ClinGen allele CA74739644.
Genomic context (GRCh38, chr3:52,401,847, plus strand): 5'-GCAGCAGGGCCCAGAGCCCAGGGCCCACCCAGGCCCCCAGCTAGGACCCTGTAGTTGGGA[C>A]CGTGGCATGATACAAGGACCTGGGCCCACCAGGACAGCTCCTAGGAGAGAAAGCATAGTC-3'